The following is an entry in ClinVar:

ClinVar aggregate classification (germline): Uncertain significance (1 of 4 stars; one submission).

Conditions:
Walker-Warburg congenital muscular dystrophy. Also called: Muscular dystrophy-dystroglycanopathy, type A; Walker-Warburg syndrome. Identifiers: Orphanet 899, MedGen C0265221, MONDO:0000171.

Submission:

Labcorp Genetics (formerly Invitae), Labcorp
Classification: Uncertain significance for Walker-Warburg congenital muscular dystrophy. Last evaluated: 2022-06-20. Review status: criteria provided, single submitter. Criteria: Invitae Variant Classification Sherloc (09022015). Collection method: clinical testing. Allele origin: germline.
Comment: Algorithms developed to predict the effect of missense changes on protein structure and function are either unavailable or do not agree on the potential impact of this missense change (SIFT: "Deleterious"; PolyPhen-2: "Benign"; Align-GVGD: "Class C65"). This sequence change replaces arginine, which is basic and polar, with glycine, which is neutral and non-polar, at codon 251 of the FKTN protein (p.Arg251Gly). This variant is not present in population databases (gnomAD no frequency). This variant has not been reported in the literature in individuals affected with FKTN-related conditions. Algorithms developed to predict the effect of sequence changes on RNA splicing suggest that this variant may disrupt the consensus splice site. In summary, the available evidence is currently insufficient to determine the role of this variant in disease. Therefore, it has been classified as a Variant of Uncertain Significance.

NM_001079802.2(FKTN):c.751A>G (p.Arg251Gly)

Gene: FKTN (fukutin; plus strand). Cytogenetic location: 9q31.2.
Variant type: single nucleotide variant.
Coding change: c.751A>G on transcript NM_001079802.2 (MANE Select); coding-DNA position 751, A replaced by G.
Protein change: p.Arg251Gly; replaces arginine 251 with glycine.
Molecular consequence: missense variant. On other transcripts: non-coding transcript variant (2).
Genome position (GRCh38, 1-based): chr9:105,607,922, A>G. VCF-style: chr9-105607922-A-G. GRCh37 (hg19) VCF-style: chr9-108370203-A-G.
Other names: c.751A>G, p.Arg251Gly (NM_001351496.2, NM_001351498.2, NM_006731.2 and 1 more transcripts); c.682A>G, p.Arg228Gly (NM_001351497.2); c.355A>G, p.Arg119Gly (NM_001351499.2, NM_001351500.2, NM_001351501.2 and 1 more transcripts); short protein forms R119G, R228G, R251G.
Identifiers: ClinVar variation 1939178 (VCV001939178.5), dbSNP rs1269924454, ClinGen allele CA374332679.